The following is an entry in ClinVar:

ClinVar aggregate classification (germline): Uncertain significance (1 of 4 stars; one submission).

Conditions:
Polycystic kidney disease, adult type (PKD1). Also called: POLYCYSTIC KIDNEY DISEASE, ADULT, TYPE I; Polycystic Kidney, Autosomal Dominant; Polycystic Kidney Disease 1, Autosomal Dominant; Polycystic kidney disease 1; Polycystic kidney disease 1, severe; POLYCYSTIC KIDNEY DISEASE 1 WITH OR WITHOUT POLYCYSTIC LIVER DISEASE. Identifiers: MedGen C3149841, MONDO:0008263, OMIM 173900.

Submission:

Juno Genomics, Hangzhou Juno Genomics, Inc
Classification: Uncertain significance for Polycystic kidney disease, adult type. Review status: criteria provided, single submitter. Criteria: ACMG Guidelines, 2015. Collection method: clinical testing. Allele origin: germline.
Comment: Absent from controls (or at extremely low frequency if recessive) in Genome Aggregation Database.;Multiple lines of computational evidence suggest no impact on gene or gene product.;Patient's phenotype or family history is highly specific for a disease with a single genetic etiology.

NM_001009944.3(PKD1):c.1228A>C (p.Thr410Pro)

Gene: PKD1 (polycystin 1, transient receptor potential channel interacting; minus strand). Cytogenetic location: 16p13.3.
Variant type: single nucleotide variant.
Coding change: c.1228A>C on transcript NM_001009944.3 (MANE Select); coding-DNA position 1228, A replaced by C.
Protein change: p.Thr410Pro; replaces threonine 410 with proline.
Molecular consequence: missense variant.
Genome position (GRCh38, 1-based): chr16:2,117,646, T>G on the plus strand (A>C on the coding strand, the complement: PKD1 is on the minus strand). VCF-style: chr16-2117646-T-G. GRCh37 (hg19) VCF-style: chr16-2167647-T-G.
Other names: c.1228A>C, p.Thr410Pro (NM_000296.4); short protein forms T410P.
Identifiers: ClinVar variation 5005540 (VCV005005540.2).